The following is an entry in ClinVar:

ClinVar aggregate classification (germline): Uncertain significance (1 of 4 stars; one submission).

Conditions:
Hereditary cancer-predisposing syndrome. Also called: Neoplastic Syndromes, Hereditary; Tumor predisposition; Hereditary neoplastic syndrome; Hereditary Cancer Syndrome. Identifiers: Orphanet 140162, MedGen C0027672, MeSH D009386, MONDO:0015356.

Allele frequency attached by ClinVar (database versions not stated): gnomAD exomes below 0.00001.
gnomAD v4.1: 1 of 1,609,514 alleles (0.000062%); highest among the groups gnomAD compares: South Asian, 0.0011%; no homozygotes.

Submission:

Ambry Genetics
Classification: Uncertain significance for Hereditary cancer-predisposing syndrome. Last evaluated: 2023-02-12. Review status: criteria provided, single submitter. Criteria: Ambry Variant Classification Scheme 2023. Collection method: clinical testing. Allele origin: germline.
Comment: The p.P43T variant (also known as c.127C>A), located in coding exon 1 of the ALK gene, results from a C to A substitution at nucleotide position 127. The proline at codon 43 is replaced by threonine, an amino acid with highly similar properties. This amino acid position is conserved. In addition, this alteration is predicted to be deleterious by in silico analysis. Since supporting evidence is limited at this time, the clinical significance of this alteration remains unclear.

NM_004304.5(ALK):c.127C>A (p.Pro43Thr)

Gene: ALK (ALK receptor tyrosine kinase; minus strand). Cytogenetic location: 2p23.1.
Variant type: single nucleotide variant.
Coding change: c.127C>A on transcript NM_004304.5 (MANE Select); coding-DNA position 127, C replaced by A.
Protein change: p.Pro43Thr; replaces proline 43 with threonine.
Molecular consequence: missense variant.
Genome position (GRCh38, 1-based): chr2:29,920,533, G>T on the plus strand (C>A on the coding strand, the complement: ALK is on the minus strand). VCF-style: chr2-29920533-G-T. GRCh37 (hg19) VCF-style: chr2-30143399-G-T.
Other names: short protein forms P43T.
Identifiers: ClinVar variation 2452130 (VCV002452130.2), dbSNP rs1440884475, ClinGen allele CA346590648.